The following is an entry in ClinVar:

ClinVar aggregate classification (germline): Uncertain significance. Review status: criteria provided, multiple submitters, no conflicts (2 of 4 stars). 3 submissions from 3 submitters: Uncertain significance (3). Last evaluated 2025-05-04.

Conditions:
Familial dysautonomia. Also called: FD; HSAN III. Identifiers: Orphanet 1764, MedGen C0013364, MONDO:0009131, OMIM 223900. Disease mechanism: loss of function.
Medulloblastoma (MDB). Also called: MEDULLOBLASTOMA PREDISPOSITION SYNDROME; Medulloblastoma, somatic. Identifiers: Orphanet 616, MedGen C0025149, MeSH D008527, MONDO:0007959, OMIM 155255, HP:0002885.

Allele frequency attached by ClinVar (database versions not stated): ExAC 0.00001; gnomAD 0.00001; gnomAD exomes 0.00003; TOPMed 0.00003; ESP Exome Variant Server 0.00008.
gnomAD v4.1: 18 of 1,612,482 alleles (0.0011%); highest among the groups gnomAD compares: Non-Finnish European, 0.0015%; no homozygotes.

Submissions (3):

Labcorp Genetics (formerly Invitae), Labcorp
Classification: Uncertain significance. Last evaluated: 2025-05-04. Review status: criteria provided, single submitter. Criteria: Invitae Variant Classification Sherloc (09022015). Collection method: clinical testing. Allele origin: germline.
Comment: This sequence change replaces glycine, which is neutral and non-polar, with arginine, which is basic and polar, at codon 616 of the ELP1 protein (p.Gly616Arg). This variant is present in population databases (rs371941072, gnomAD 0.004%). This variant has not been reported in the literature in individuals affected with ELP1-related conditions. ClinVar contains an entry for this variant (Variation ID: 1799801). Invitae Evidence Modeling of protein sequence and biophysical properties (such as structural, functional, and spatial information, amino acid conservation, physicochemical variation, residue mobility, and thermodynamic stability) indicates that this missense variant is not expected to disrupt ELP1 protein function with a negative predictive value of 80%. In summary, the available evidence is currently insufficient to determine the role of this variant in disease. Therefore, it has been classified as a Variant of Uncertain Significance.

Fulgent Genetics
Classification: Uncertain significance for Medulloblastoma; Familial dysautonomia. Last evaluated: 2024-04-27. Review status: criteria provided, single submitter. Criteria: ACMG Guidelines, 2015. Collection method: clinical testing. Allele origin: germline.

Ambry Genetics
Classification: Uncertain significance. Last evaluated: 2023-11-15. Review status: criteria provided, single submitter. Criteria: Ambry Variant Classification Scheme 2023. Collection method: clinical testing. Allele origin: germline.
Comment: The c.1846G>A (p.G616R) alteration is located in exon 16 (coding exon 15) of the IKBKAP gene. This alteration results from a G to A substitution at nucleotide position 1846, causing the glycine (G) at amino acid position 616 to be replaced by an arginine (R). The alteration is rare in population databases: _x000D_ _x000D_ Based on data from the Genome Aggregation Database (gnomAD), the c.1846G>A alteration was observed in 0.001% (3/251,362) total alleles studied. The altered amino acid is not conserved throughout evolution:_x000D_ _x000D_ The p.G616 amino acid is not conserved in available vertebrate species. The alteration is predicted deleterious by in silico models:_x000D_ _x000D_ The p.G616R alteration is predicted to be possibly damaging by Polyphen and deleterious by SIFT in silico analyses. Based on insufficient or conflicting evidence, the clinical significance of this alteration remains unclear.

NM_003640.5(ELP1):c.1846G>A (p.Gly616Arg)

Gene: ELP1 (elongator acetyltransferase complex subunit 1; minus strand). Cytogenetic location: 9q31.3.
Variant type: single nucleotide variant.
Coding change: c.1846G>A on transcript NM_003640.5 (MANE Select); coding-DNA position 1846, G replaced by A.
Protein change: p.Gly616Arg; replaces glycine 616 with arginine.
Molecular consequence: missense variant.
Genome position (GRCh38, 1-based): chr9:108,902,847, C>T on the plus strand (G>A on the coding strand, the complement: ELP1 is on the minus strand). VCF-style: chr9-108902847-C-T. GRCh37 (hg19) VCF-style: chr9-111665127-C-T.
Other names: c.1504G>A, p.Gly502Arg (NM_001318360.2); c.799G>A, p.Gly267Arg (NM_001330749.2); short protein forms G267R, G502R, G616R.
Identifiers: ClinVar variation 1799801 (VCV001799801.7), dbSNP rs371941072, ClinGen allele CA5174883.